The following is an entry in ClinVar:

NM_000455.5(STK11):c.1041G>A (p.Ala347=)

Genes: STK11 (serine/threonine kinase 11; plus strand), LOC130062899 (ATAC-STARR-seq lymphoblastoid active region 13597; plus strand). Cytogenetic location: 19p13.3.
Variant type: single nucleotide variant.
Coding change: c.1041G>A on transcript NM_000455.5 (MANE Select); coding-DNA position 1041, G replaced by A.
Protein change: p.Ala347=; no amino-acid change (alanine 347 retained).
Molecular consequence: synonymous variant.
Genome position (GRCh38, 1-based): chr19:1,223,105, G>A. VCF-style: chr19-1223105-G-A. GRCh37 (hg19) VCF-style: chr19-1223104-G-A.
Identifiers: ClinVar variation 184691 (VCV000184691.26), dbSNP rs537906142, ClinGen allele CA022217.

ClinVar aggregate classification (germline): Conflicting classifications of pathogenicity. Review status: criteria provided, conflicting classifications (1 of 4 stars). 12 submissions from 12 submitters: Uncertain significance (1); Benign (5); Likely benign (3). 3 of the submissions do not count toward it. Last evaluated 2026-01-26.

Conditions:
STK11-related disorder. Also called: STK11-related condition.
Hereditary cancer-predisposing syndrome. Also called: Tumor predisposition; Neoplastic Syndromes, Hereditary; Hereditary neoplastic syndrome; Hereditary Cancer Syndrome. Identifiers: Orphanet 140162, MedGen C0027672, MeSH D009386, MONDO:0015356.
Peutz-Jeghers syndrome (PJS). Also called: POLYPOSIS, HAMARTOMATOUS INTESTINAL; POLYPS-AND-SPOTS SYNDROME; Peutz-Jeghers polyposis; Periorificial lentiginosis syndrome. Identifiers: Orphanet 2869, MedGen C0031269, MeSH D010580, MONDO:0008280, OMIM 175200.
Carcinoma of colon (CRC). Also called: Colonic carcinoma; Colon carcinoma. Identifiers: MedGen C0699790, MONDO:0002032.

Allele frequency attached by ClinVar (database versions not stated): gnomAD below 0.00001 and 0.00004; TOPMed 0.00001; gnomAD exomes 0.00007 and 0.00012; 1000 Genomes Project 30x 0.00016; ExAC 0.00018; 1000 Genomes Project 0.00020.
gnomAD v4.1: 116 of 1,611,250 alleles (0.0072%); highest among the groups gnomAD compares: South Asian, 0.11%; no homozygotes.

Submissions (12):

Labcorp Genetics (formerly Invitae), Labcorp
Classification: Benign for Peutz-Jeghers syndrome. Last evaluated: 2026-01-26. Review status: criteria provided, single submitter. Criteria: Invitae Variant Classification Sherloc (09022015). Collection method: clinical testing. Allele origin: germline.

Blueprint Genetics
Classification: Likely benign. Last evaluated: 2024-06-21. Review status: criteria provided, single submitter. Criteria: ACMG Guidelines, 2015. Collection method: clinical testing. Allele origin: germline.

Myriad Genetics, Inc.
Classification: Benign for Peutz-Jeghers syndrome. Last evaluated: 2023-04-12. Review status: criteria provided, single submitter. Criteria: Myriad Autosomal Dominant, Autosomal Recessive and X-Linked Classification Criteria (2023). Collection method: clinical testing. Allele origin: unknown.
Comment: This variant is considered benign. This variant is a silent/synonymous amino acid change and it is not expected to impact splicing.

Sema4
Classification: Benign for Hereditary cancer-predisposing syndrome. Last evaluated: 2020-10-06. Review status: criteria provided, single submitter. Criteria: Sema4 Curation Guidelines. Collection method: curation. Allele origin: germline.

Quest Diagnostics Nichols Institute San Juan Capistrano
Classification: Benign. Last evaluated: 2017-09-20. Review status: criteria provided, single submitter. Criteria: Quest Diagnostics criteria. Collection method: clinical testing. Allele origin: germline.

Women's Health and Genetics/Laboratory Corporation of America, LabCorp
Classification: Benign. Last evaluated: 2017-05-08. Review status: criteria provided, single submitter. Criteria: LabCorp Variant Classification Summary - May 2015. Collection method: clinical testing. Allele origin: germline.
Comment: Variant summary: The STK11 c.1041G>A (p.Ala347Ala) variant involves the alteration of a non-conserved nucleotide, resulting in a synonymous change. One in silico tool predicts a damaging outcome for this variant. 4/5 splice prediction tools predict no significant impact on normal splicing and ESE finder predicts no significant changes in ESE sites at the locus. However, these predictions have yet to be confirmed by functional studies. Although the variant has been identified in at least one individual with hamartomatous polyps and was suggested to result in abnormal splicing (Wei 2003, Amos 2004), these studies provided no functional evidence to that effect and this report predated the development of large scale control population databases. The variant was found in the large control database ExAC in 17 of 95258 control chromosomes from all ethnicities, but was predominantly observed in the South Asian subpopulation at a frequency of 0.001139 (15/13164). This frequency is about 73 times the estimated maximal expected allele frequency of a pathogenic STK11 variant (0.0000156), strongly suggesting this is likely a benign polymorphism found primarily in the populations of South Asian origin. Multiple clinical diagnostic laboratories have classified this variant with conflicting interpretations, including uncertain significance (1x in ClinVar), likely benign (1x in ClinVar), and benign (1x in ClinVar). Taken together, this variant is classified as benign.

Color Diagnostics, LLC DBA Color Health
Classification: Likely benign for Hereditary cancer-predisposing syndrome. Last evaluated: 2016-06-06. Review status: criteria provided, single submitter. Criteria: ACMG Guidelines, 2015. Collection method: clinical testing. Allele origin: germline.

GeneDx
Classification: Uncertain significance. Last evaluated: 2015-10-12. Review status: criteria provided, single submitter. Criteria: GeneDx Variant Classification (06012015). Collection method: clinical testing. Allele origin: germline. Affected: yes.
Comment: This variant is denoted STK11 c.1041G>A at the DNA level. Although the variant is silent at the coding level, preserving an Alanine at codon 347, this variant has been identified in at least one individual with hamartomatous polyps and was suggested to result in abnormal splicing (Wei 2003, Amos 2004); however, splicing models at our laboratory do not predict an effect on splicing. STK11 c.1041G>A was not observed at a significant allele frequency in 1000 Genomes. The nucleotide which is altered, a guanine (G) at base 1041, is not conserved across species. Based on currently available information, it is unclear whether STK11 c.1041G>A is pathogenic or benign. We consider this to be a variant of uncertain significance.

Ambry Genetics
Classification: Likely benign for Hereditary cancer-predisposing syndrome. Last evaluated: 2014-12-23. Review status: criteria provided, single submitter. Criteria: Ambry Variant Classification Scheme 2023. Collection method: clinical testing. Allele origin: germline.

PreventionGenetics, part of Exact Sciences
Classification: Likely benign for STK11-related condition. Last evaluated: 2020-03-17. Review status: no assertion criteria provided. Collection method: clinical testing. Allele origin: germline. Not counted in ClinVar's aggregate classification.
Comment: This variant is classified as likely benign based on ACMG/AMP sequence variant interpretation guidelines (Richards et al. 2015 PMID: 25741868, with internal and published modifications).

Counsyl
Classification: Likely benign for Peutz-Jeghers syndrome. Last evaluated: 2017-03-21. Review status: no assertion criteria provided. Collection method: clinical testing. Allele origin: unknown. Not counted in ClinVar's aggregate classification.

Department of Pathology and Laboratory Medicine, Sinai Health System
Classification: Likely benign for Carcinoma of colon. Review status: no assertion criteria provided. Collection method: clinical testing. Allele origin: unknown. Affected: yes. Study: The Canadian Open Genetics Repository (COGR). Not counted in ClinVar's aggregate classification.
Comment: The STK11 p.Ala347Ala variant was identified in 1 of 84 proband chromosomes (frequency: 0.01) from individuals or families with Peutz-Jaghers Syndrome (Amos 2004). The variant was identified in dbSNP (rs537906142) as â€šÃ„Ãºwith likely benign, uncertain significance alleleâ€šÃ„Ã¹, in ClinVar (interpreted as "benign" by Invitae and 2 others, "likely benign" by Ambry Genetics and "uncertain significance" by GeneDx). The variant was not identified in LOVD 3.0. The variant was identified in control databases in 27 of 241,514 chromosomes at a frequency of 0.0001 increasing the likelihood this could be a low frequency benign variant as this frequency is well above the known prevalence of Peutz-Jagher Syndrome (Genome Aggregation Database Feb 27, 2017). The variant was observed in the following populations: European in 1 of 109,548 chromosomes (freq: 0.000009), Finnish in 1 of 21,340 chromosomes (freq: 0.00005), and South Asian in 25 of 30,278 chromosomes (freq: 0.0008). The variant was not observed in the African, Other, Latino, Ashkenazi Jewish, or East Asian populations. The p.Ala347= variant is not expected to have clinical significance because it does not result in a change of amino acid and is not located in a known consensus splice site. The variant occurs outside of the splicing consensus sequence and 1 of 4 in silico or computational prediction software programs (SpliceSiteFinder, MaxEntScan, NNSPLICE, GeneSplicer) predicted the creation of a new splice site. In summary, based on the above information the clinical significance of this variant cannot be determined with certainty at this time although we would lean towards a more benign role for this variant. This variant is classified as likely benign.

Literature cited by the submitters: PubMed 14623934 (cited by Women's Health and Genetics/Laboratory Corporation of America, LabCorp and Ambry Genetics); PubMed 25186949 (cited by Women's Health and Genetics/Laboratory Corporation of America, LabCorp); PubMed 15121768 (cited by Women's Health and Genetics/Laboratory Corporation of America, LabCorp and Counsyl).